The following is an entry in ClinVar:

ClinVar aggregate classification (germline): Pathogenic (1 of 4 stars; one submission).

Submission:

GeneDx
Classification: Pathogenic. Last evaluated: 2022-07-15. Review status: criteria provided, single submitter. Criteria: GeneDx Variant Classification Process June 2021. Collection method: clinical testing. Allele origin: germline. Affected: yes.
Comment: Identified in a patient with intellectual disability in published literature (Sanchis-Juan et al., 2019); Frameshift variant predicted to result in protein truncation or nonsense mediated decay in a gene for which loss of function is a known mechanism of disease; Not observed at significant frequency in large population cohorts (gnomAD); This variant is associated with the following publications: (PMID: 31316545)

NM_015100.4(POGZ):c.410_411del (p.His137fs)

Gene: POGZ (pogo transposable element derived with ZNF domain; minus strand). Cytogenetic location: 1q21.3.
Variant type: Deletion.
Coding change: c.410_411del on transcript NM_015100.4 (MANE Select); coding-DNA positions 410 to 411, 2 bases deleted (AT; older notation c.410_411delAT).
Protein change: p.His137fs; shifts the reading frame from histidine 137.
Molecular consequence: frameshift variant. On other transcripts: intron variant (1).
Genome position (GRCh38, 1-based): chr1:151,430,714-151,430,715, AT deleted on the plus strand (AT on the coding strand, the reverse complement: POGZ is on the minus strand). VCF-style (leftmost placement, unchanged base first): chr1-151430713-CAT-C. GRCh37 (hg19) VCF-style: chr1-151403189-CAT-C.
Other names: c.410_411del, p.His137fs (NM_001194937.2); c.251_252del, p.His84fs (NM_001194938.2, NM_207171.2); c.431_432delAT, p.His144Argfs (NM_001410860.1); c.284-2302_284-2301del (NM_145796.4); short protein forms H137fs, H84fs.
Identifiers: ClinVar variation 1878837 (VCV001878837.1), dbSNP rs2529541976, ClinGen allele CA2580061019.
Genomic context (GRCh38, chr1:151,430,713, plus strand): 5'-GAGTCCTACTCACCTGCGTAGTGATAAATATTGGTTGTGAGGCCACAGGGGAACTAGTCA[CAT>C]GATTGGCATTCTGCATGACCTGAACAGGCCTCAATACTGGTTGAGTAACCATTGTGCCCA-3'